The following is an entry in ClinVar:

ClinVar aggregate classification (germline): Uncertain significance (1 of 4 stars; one submission).

gnomAD v4.1: 1 of 1,612,082 alleles (0.000062%); highest among the groups gnomAD compares: Middle Eastern, 0.016%; no homozygotes.

Submission:

Ambry Genetics
Classification: Uncertain significance. Last evaluated: 2026-03-06. Review status: criteria provided, single submitter. Criteria: Ambry Variant Classification Scheme 2023. Collection method: clinical testing. Allele origin: germline.
Comment: The p.F498L variant (also known as c.1492T>C), located in coding exon 6 of the WNK2 gene, results from a T to C substitution at nucleotide position 1492. The phenylalanine at codon 498 is replaced by leucine, an amino acid with highly similar properties. This amino acid position is conserved. In addition, this alteration is predicted to be deleterious by in silico analysis. Based on the available evidence, the clinical significance of this variant remains unclear.

NM_006648.4(WNK2):c.1492T>C (p.Phe498Leu)

Gene: WNK2 (WNK lysine deficient protein kinase 2; plus strand). Cytogenetic location: 9q22.31.
Variant type: single nucleotide variant.
Coding change: c.1492T>C on transcript NM_006648.4 (MANE Select); coding-DNA position 1492, T replaced by C.
Protein change: p.Phe498Leu; replaces phenylalanine 498 with leucine.
Molecular consequence: missense variant.
Genome position (GRCh38, 1-based): chr9:93,239,926, T>C. VCF-style: chr9-93239926-T-C. GRCh37 (hg19) VCF-style: chr9-96002208-T-C.
Other names: c.1492T>C, p.Phe498Leu (NM_001282394.3); short protein forms F498L.
Identifiers: ClinVar variation 4826239 (VCV004826239.1).